The following is an entry in ClinVar:

ClinVar aggregate classification (germline): Uncertain significance. Review status: criteria provided, multiple submitters, no conflicts (2 of 4 stars). 3 submissions from 3 submitters: Uncertain significance (3). Last evaluated 2024-02-22.

Allele frequency attached by ClinVar (database versions not stated): gnomAD exomes below 0.00001 and 0.00003; gnomAD 0.00001; TOPMed 0.00002.
gnomAD v4.1: 40 of 1,614,068 alleles (0.0025%); highest among the groups gnomAD compares: Non-Finnish European, 0.0034%; no homozygotes.

Submissions (3):

Ambry Genetics
Classification: Uncertain significance. Last evaluated: 2024-02-22. Review status: criteria provided, single submitter. Criteria: Ambry Variant Classification Scheme 2023. Collection method: clinical testing. Allele origin: germline.

GeneDx
Classification: Uncertain significance. Last evaluated: 2022-12-30. Review status: criteria provided, single submitter. Criteria: GeneDx Variant Classification Process June 2021. Collection method: clinical testing. Allele origin: germline. Affected: yes.
Comment: Not observed at significant frequency in large population cohorts (gnomAD); In silico analysis supports that this missense variant has a deleterious effect on protein structure/function; Has not been previously published as pathogenic or benign to our knowledge

Labcorp Genetics (formerly Invitae), Labcorp
Classification: Uncertain significance. Last evaluated: 2021-09-24. Review status: criteria provided, single submitter. Criteria: Invitae Variant Classification Sherloc (09022015). Collection method: clinical testing. Allele origin: germline.
Comment: This sequence change replaces threonine with isoleucine at codon 304 of the BLK protein (p.Thr304Ile). The threonine residue is highly conserved and there is a moderate physicochemical difference between threonine and isoleucine. In summary, the available evidence is currently insufficient to determine the role of this variant in disease. Therefore, it has been classified as a Variant of Uncertain Significance. Algorithms developed to predict the effect of missense changes on protein structure and function (SIFT, PolyPhen-2, Align-GVGD) all suggest that this variant is likely to be disruptive. This variant has not been reported in the literature in individuals affected with BLK-related conditions. This variant is not present in population databases (ExAC no frequency).

NM_001715.3(BLK):c.911C>T (p.Thr304Ile)

Genes: BLK (BLK proto-oncogene, Src family tyrosine kinase), BLK-AS1 (BLK antisense RNA 1). Cytogenetic location: 8p23.1.
Variant type: single nucleotide variant.
Coding change: c.911C>T on transcript NM_001715.3 (MANE Select); coding-DNA position 911, C replaced by T.
Protein change: p.Thr304Ile; replaces threonine 304 with isoleucine.
Molecular consequence: missense variant.
Genome position (GRCh38, 1-based): chr8:11,556,796, C>T. VCF-style: chr8-11556796-C-T. GRCh37 (hg19) VCF-style: chr8-11414305-C-T.
Other names: c.911C>T (NM_001715.2); c.698C>T, p.Thr233Ile (NM_001330465.2); short protein forms T304I, T233I.
Identifiers: ClinVar variation 1521160 (VCV001521160.7), dbSNP rs1336733783, ClinGen allele CA370315057.